The following is an entry in ClinVar:

NM_014319.5(LEMD3):c.822G>A (p.Gln274=)

Gene: LEMD3 (LEM domain containing 3; plus strand). Cytogenetic location: 12q14.3.
Variant type: single nucleotide variant.
Coding change: c.822G>A on transcript NM_014319.5 (MANE Select); coding-DNA position 822, G replaced by A.
Protein change: p.Gln274=; no amino-acid change (glutamine 274 retained).
Molecular consequence: synonymous variant.
Genome position (GRCh38, 1-based): chr12:65,170,418, G>A. VCF-style: chr12-65170418-G-A. GRCh37 (hg19) VCF-style: chr12-65564198-G-A.
Other names: c.822G>A, p.Gln274= (NM_001167614.2).
Identifiers: ClinVar variation 2853798 (VCV002853798.3), dbSNP rs2498939530, ClinGen allele CA480743415.

ClinVar aggregate classification (germline): Uncertain significance (1 of 4 stars; one submission).

Allele frequency attached by ClinVar (database versions not stated): gnomAD exomes below 0.00001.
gnomAD v4.1: 1 of 1,614,050 alleles (0.000062%); highest among the groups gnomAD compares: Non-Finnish European, 0.000085%; no homozygotes.

Submission:

Labcorp Genetics (formerly Invitae), Labcorp
Classification: Uncertain significance. Last evaluated: 2023-04-09. Review status: criteria provided, single submitter. Criteria: Invitae Variant Classification Sherloc (09022015). Collection method: clinical testing. Allele origin: germline.
Comment: This variant is not present in population databases (gnomAD no frequency). In summary, the available evidence is currently insufficient to determine the role of this variant in disease. Therefore, it has been classified as a Variant of Uncertain Significance. Algorithms developed to predict the effect of sequence changes on RNA splicing suggest that this variant may disrupt the consensus splice site. This variant has not been reported in the literature in individuals affected with LEMD3-related conditions. This sequence change affects codon 274 of the LEMD3 mRNA. It is a 'silent' change, meaning that it does not change the encoded amino acid sequence of the LEMD3 protein.